The following is an entry in ClinVar:

NM_004415.4(DSP):c.3160_3169del (p.Lys1054fs)

Gene: DSP (desmoplakin; plus strand). Cytogenetic location: 6p24.3.
Variant type: Deletion.
Coding change: c.3160_3169del on transcript NM_004415.4 (MANE Select); coding-DNA positions 3160 to 3169, 10 bases deleted (AAGAACAAAT; older notation c.3160_3169delAAGAACAAAT).
Protein change: p.Lys1054fs; shifts the reading frame from lysine 1054.
Molecular consequence: frameshift variant.
Genome position (GRCh38, 1-based): chr6:7,579,350-7,579,359, AAGAACAAAT deleted; deleting any 10 consecutive bases within chr6:7,579,347-7,579,359 gives the same sequence; the c. name uses the placement nearest the transcript's 3' end. VCF-style (leftmost placement, unchanged base first): chr6-7579346-TAATAAGAACA-T. GRCh37 (hg19) VCF-style: chr6-7579579-TAATAAGAACA-T.
Other names: c.3160_3169del (LRG_423t1); c.3160_3169del, p.Lys1054fs (NM_001008844.3, NM_001319034.2); short protein forms K1054fs.
Identifiers: ClinVar variation 44892 (VCV000044892.11), dbSNP rs397516932, ClinGen allele CA005763.
Genomic context (GRCh38, chr6:7,579,346, plus strand): 5'-CAAGATCGAAGTTTTGGAAGAGGAGCTCAGACTGGCCCGAGATGCCAACTCGGAAAACTG[TAATAAGAACA>T]AATTCCTGGATCAGAACCTGCAGAAATACCAGGCAGAGTGTTCCCAGTTCAAAGCGAAGC-3'

ClinVar aggregate classification (germline): Pathogenic. Review status: criteria provided, multiple submitters, no conflicts (2 of 4 stars). 3 submissions from 3 submitters: Pathogenic (2). 1 of the submissions does not count toward it. Last evaluated 2022-04-02.

Conditions:
Arrhythmogenic cardiomyopathy with wooly hair and keratoderma. Also called: Carvajal syndrome; PALMOPLANTAR KERATODERMA WITH LEFT VENTRICULAR CARDIOMYOPATHY AND WOOLLY HAIR; Arrhythmogenic cardiomyopathy with woolly hair and keratoderma; Dilated cardiomyopathy with woolly hair and keratoderma. Identifiers: Orphanet 65282, MedGen C1854063, MONDO:0011581, OMIM 605676.
Arrhythmogenic right ventricular dysplasia 8 (ARVD8). Also called: ARRHYTHMOGENIC RIGHT VENTRICULAR DYSPLASIA, FAMILIAL, 8; ARRHYTHMOGENIC RIGHT VENTRICULAR CARDIOMYOPATHY 8; Arrhythmogenic Right Ventricular Dysplasia/Cardiomyopathy 8. Identifiers: MedGen C1843896, MONDO:0011831, OMIM 607450.
Arrhythmogenic right ventricular cardiomyopathy (ARVD). Also called: Arrhythmogenic right ventricular dysplasia; Arrhythmogenic cardiomyopathy; Arrhythmogenic Right Ventricular Cardiomyopathy (ARVC); Cardiomyopathy, ARVC. Identifiers: Orphanet 247, MedGen C0349788, MeSH D019571, MONDO:0016587. Disease mechanism: loss of function. Inheritance: Various modes of inheritance.

Submissions (3):

Labcorp Genetics (formerly Invitae), Labcorp
Classification: Pathogenic for Arrhythmogenic cardiomyopathy with wooly hair and keratoderma; Arrhythmogenic right ventricular dysplasia 8. Last evaluated: 2022-04-02. Review status: criteria provided, single submitter. Criteria: Invitae Variant Classification Sherloc (09022015). Collection method: clinical testing. Allele origin: germline.
Comment: For these reasons, this variant has been classified as Pathogenic. ClinVar contains an entry for this variant (Variation ID: 44892). This premature translational stop signal has been observed in individual(s) with arrhythmogenic right ventricular cardiomyopathy (PMID: 31386562). This variant is not present in population databases (gnomAD no frequency). This sequence change creates a premature translational stop signal (p.Lys1054Serfs*26) in the DSP gene. It is expected to result in an absent or disrupted protein product. Loss-of-function variants in DSP are known to be pathogenic (PMID: 20716751, 24503780, 25227139).

GeneDx
Classification: Pathogenic. Last evaluated: 2015-06-23. Review status: criteria provided, single submitter. Criteria: GeneDx Variant Classification (06012015). Collection method: clinical testing. Allele origin: germline. Affected: yes.
Comment: The c.3160_3169del10 variant in the DSP gene has been reported in at least one individual enrolled in theJohns Hopkins ARVD/C registry (Bhonsale et al., 2013). This deletion causes a shift in reading framestarting at codon Lysine 1054, changing it to a Serine, and creating a premature stop codon at position 26of the new reading frame, denoted p.Lys1054SerfsX26. This deletion is expected to result in either anabnormal, truncated protein product or loss of protein from this allele through nonsense-mediated mRNAdecay. Other frameshift variants in the DSP gene have been reported in HGMD in association withcardiomyopathy (Stenson P et al., 2014). Furthermore, the c.3160_3169del10 variant was not observed inapproximately 6,500 individuals of European and African American ancestry in the NHLBI ExomeSequencing Project, indicating it is not a common benign variant in these populations.In summary, c.3160_3169del10 in the DSP gene is interpreted as a pathogenic variant.

Laboratory for Molecular Medicine, Mass General Brigham Personalized Medicine
Classification: Likely pathogenic for Arrhythmogenic right ventricular cardiomyopathy. Last evaluated: 2007-11-16. Review status: no assertion criteria provided. Collection method: clinical testing. Allele origin: germline. Observed: 6 variant alleles. Not counted in ClinVar's aggregate classification.

Literature cited by the submitters: PubMed 31386562 (cited by Labcorp Genetics (formerly Invitae), Labcorp); PubMed 20716751 (cited by Labcorp Genetics (formerly Invitae), Labcorp); PubMed 24503780 (cited by Labcorp Genetics (formerly Invitae), Labcorp); PubMed 25227139 (cited by Labcorp Genetics (formerly Invitae), Labcorp).